The following is an entry in ClinVar:

NM_001018005.2(TPM1):c.194A>G (p.Lys65Arg)

Gene: TPM1 (tropomyosin 1; plus strand). Cytogenetic location: 15q22.2.
Variant type: single nucleotide variant.
Coding change: c.194A>G on transcript NM_001018005.2 (MANE Select); coding-DNA position 194, A replaced by G.
Protein change: p.Lys65Arg; replaces lysine 65 with arginine.
Molecular consequence: missense variant. On other transcripts: non-coding transcript variant (12), intron variant (10).
Genome position (GRCh38, 1-based): chr15:63,044,106, A>G. VCF-style: chr15-63044106-A-G. GRCh37 (hg19) VCF-style: chr15-63336305-A-G.
Other names: c.194A>G, p.Lys65Arg (NM_000366.6, NM_001018004.2, NM_001018006.2 and 10 more transcripts); c.320A>G, p.Lys107Arg (NM_001365778.1, NM_001407322.1, NM_001407323.1 and 1 more transcripts); c.240+275A>G (NM_001407336.1, NM_001018020.2, NM_001407338.1 and 7 more transcripts); short protein forms K65R, K107R.
Identifiers: ClinVar variation 4722180 (VCV004722180.1).
Genomic context (GRCh38, chr15:63,044,106, plus strand): 5'-CACTGCAAAAGAAACTCAAGGGCACCGAAGATGAACTGGACAAATACTCTGAGGCTCTCA[A>G]AGATGCCCAGGAGAAGCTGGAGCTGGCAGAGAAAAAGGCCACCGATGTAAGTGCACGCTC-3'
Protein context (NP_001018005.1, residues 55-75): DELDKYSEAL[Lys65Arg]DAQEKLELAE

ClinVar aggregate classification (germline): Uncertain significance (1 of 4 stars; one submission).

Conditions:
Hypertrophic cardiomyopathy. Also called: HYPERTROPHIC MYOCARDIOPATHY. Identifiers: Orphanet 217569, MedGen C0007194, MeSH D002312, MONDO:0005045, HP:0001639.

gnomAD v4.1: 1 of 1,614,196 alleles (0.000062%); no homozygotes.

Submission:

Labcorp Genetics (formerly Invitae), Labcorp
Classification: Uncertain significance for Hypertrophic cardiomyopathy. Last evaluated: 2025-07-02. Review status: criteria provided, single submitter. Criteria: Invitae Variant Classification Sherloc (09022015). Collection method: clinical testing. Allele origin: germline.
Comment: This sequence change replaces lysine, which is basic and polar, with arginine, which is basic and polar, at codon 65 of the TPM1 protein (p.Lys65Arg). This variant is not present in population databases (gnomAD no frequency). This variant has not been reported in the literature in individuals affected with TPM1-related conditions. An algorithm developed to predict the effect of missense changes on protein structure and function (PolyPhen-2) suggests that this variant is likely to be tolerated. In summary, the available evidence is currently insufficient to determine the role of this variant in disease. Therefore, it has been classified as a Variant of Uncertain Significance.